The following is an entry in ClinVar:

NM_000057.4(BLM):c.88C>G (p.Pro30Ala)

Gene: BLM (BLM RecQ like helicase; plus strand). Cytogenetic location: 15q26.1.
Variant type: single nucleotide variant.
Coding change: c.88C>G on transcript NM_000057.4 (MANE Select); coding-DNA position 88, C replaced by G.
Protein change: p.Pro30Ala; replaces proline 30 with alanine.
Molecular consequence: missense variant. On other transcripts: 5 prime UTR variant (1).
Genome position (GRCh38, 1-based): chr15:90,747,480, C>G. VCF-style: chr15-90747480-C-G. GRCh37 (hg19) VCF-style: chr15-91290710-C-G.
Other names: c.88C>G, p.Pro30Ala (NM_001287246.2, NM_001287247.2); c.-1204C>G (NM_001287248.2); short protein forms P30A.
Identifiers: ClinVar variation 1765041 (VCV001765041.4), dbSNP rs2151145103, ClinGen allele CA393839007.
Genomic context (GRCh38, chr15:90,747,480, plus strand): 5'-CAGGAGCAACTAGAACGTCACTCAGCCAGAACACTTAATAATAAATTAAGTCTTTCAAAA[C>G]CAAAATTTTCGTAAGTGTTTTGACTGGTTTGCTGTCACATAGGCACTAACTTACCACATT-3'
Protein context (NP_000048.1, residues 20-40): TLNNKLSLSK[Pro30Ala]KFSGFTFKKK

ClinVar aggregate classification (germline): Uncertain significance. Review status: criteria provided, multiple submitters, no conflicts (2 of 4 stars). 2 submissions from 2 submitters: Uncertain significance (2). Last evaluated 2025-12-23.

Conditions:
Bloom syndrome (BLM). Also called: Bloom-Torre-Machacek syndrome. Identifiers: Orphanet 125, MedGen C0005859, MONDO:0008876, OMIM 210900.
Hereditary cancer-predisposing syndrome. Also called: Tumor predisposition; Hereditary Cancer Syndrome; Hereditary neoplastic syndrome; Neoplastic Syndromes, Hereditary. Identifiers: Orphanet 140162, MedGen C0027672, MeSH D009386, MONDO:0015356.

Submissions (2):

Labcorp Genetics (formerly Invitae), Labcorp
Classification: Uncertain significance for Bloom syndrome. Last evaluated: 2025-12-23. Review status: criteria provided, single submitter. Criteria: Invitae Variant Classification Sherloc (09022015). Collection method: clinical testing. Allele origin: germline.
Comment: This sequence change replaces proline, which is neutral and non-polar, with alanine, which is neutral and non-polar, at codon 30 of the BLM protein (p.Pro30Ala). This variant is not present in population databases (gnomAD no frequency). This variant has not been reported in the literature in individuals affected with BLM-related conditions. ClinVar contains an entry for this variant (Variation ID: 1765041). An algorithm developed to predict the effect of missense changes on protein structure and function (PolyPhen-2) suggests that this variant is likely to be tolerated. In summary, the available evidence is currently insufficient to determine the role of this variant in disease. Therefore, it has been classified as a Variant of Uncertain Significance.

Ambry Genetics
Classification: Uncertain significance for Hereditary cancer-predisposing syndrome. Last evaluated: 2025-12-15. Review status: criteria provided, single submitter. Criteria: Ambry Variant Classification Scheme 2023. Collection method: clinical testing. Allele origin: germline.
Comment: The p.P30A variant (also known as c.88C>G), located in coding exon 1 of the BLM gene, results from a C to G substitution at nucleotide position 88. The proline at codon 30 is replaced by alanine, an amino acid with highly similar properties. This amino acid position is conserved. In addition, this alteration is predicted to be tolerated by in silico analysis. Since supporting evidence is limited at this time, the clinical significance of this alteration remains unclear.